The following is an entry in ClinVar:

ClinVar aggregate classification (germline): Pathogenic (1 of 4 stars; one submission).

Conditions:
Hereditary cancer-predisposing syndrome. Also called: Neoplastic Syndromes, Hereditary; Tumor predisposition; Hereditary Cancer Syndrome; Hereditary neoplastic syndrome. Identifiers: Orphanet 140162, MedGen C0027672, MeSH D009386, MONDO:0015356.

Submission:

Ambry Genetics
Classification: Pathogenic for Hereditary cancer-predisposing syndrome. Last evaluated: 2023-07-07. Review status: criteria provided, single submitter. Criteria: Ambry Variant Classification Scheme 2023. Collection method: clinical testing. Allele origin: germline.
Comment: The c.157delG pathogenic mutation, located in coding exon 3 of the MRE11A gene, results from a deletion of one nucleotide at nucleotide position 157, causing a translational frameshift with a predicted alternate stop codon (p.D53Ifs*5). This alteration is expected to result in loss of function by premature protein truncation or nonsense-mediated mRNA decay. As such, this alteration is interpreted as a disease-causing mutation.

NM_005591.4(MRE11):c.157del (p.Asp53fs)

Gene: MRE11 (MRE11 double strand break repair nuclease; minus strand). Cytogenetic location: 11q21.
Variant type: Deletion.
Coding change: c.157del on transcript NM_005591.4 (MANE Select); coding-DNA position 157, one base deleted (G; older notation c.157delG).
Protein change: p.Asp53fs; shifts the reading frame from aspartic acid 53.
Molecular consequence: frameshift variant.
Genome position (GRCh38, 1-based): chr11:94,486,081, C deleted on the plus strand (G on the coding strand, the reverse complement: MRE11 is on the minus strand); the first of 2 consecutive C bases (chr11:94,486,081-94,486,082); deleting either gives the same sequence. VCF-style (leftmost placement, unchanged base first): chr11-94486080-TC-T. GRCh37 (hg19) VCF-style: chr11-94219246-TC-T.
Other names: c.157delG (NM_005591.3); c.157del, p.Asp53fs (NM_001330347.2, NM_005590.4); short protein forms D53fs.
Identifiers: ClinVar variation 1800257 (VCV001800257.3), dbSNP rs2496621808, ClinGen allele CA2580085061.